The following is an entry in ClinVar:

ClinVar aggregate classification (germline): Uncertain significance (1 of 4 stars; one submission).

Conditions:
Tuberous sclerosis 2 (TSC2). Identifiers: Orphanet 805, MedGen C1860707, MONDO:0013199, OMIM 613254.

Submission:

Labcorp Genetics (formerly Invitae), Labcorp
Classification: Uncertain significance for Tuberous sclerosis 2. Last evaluated: 2026-01-04. Review status: criteria provided, single submitter. Criteria: Invitae Variant Classification Sherloc (09022015). Collection method: clinical testing. Allele origin: germline.
Comment: This sequence change replaces glutamine, which is neutral and polar, with glutamic acid, which is acidic and polar, at codon 732 of the TSC2 protein (p.Gln732Glu). This variant is not present in population databases (gnomAD no frequency). This variant has not been reported in the literature in individuals affected with TSC2-related conditions. Invitae Evidence Modeling of protein sequence and biophysical properties (such as structural, functional, and spatial information, amino acid conservation, physicochemical variation, residue mobility, and thermodynamic stability) indicates that this missense variant is not expected to disrupt TSC2 protein function with a negative predictive value of 95%. In summary, the available evidence is currently insufficient to determine the role of this variant in disease. Therefore, it has been classified as a Variant of Uncertain Significance.

NM_000548.5(TSC2):c.2194C>G (p.Gln732Glu)

Gene: TSC2 (TSC complex subunit 2; plus strand). Cytogenetic location: 16p13.3.
Variant type: single nucleotide variant.
Coding change: c.2194C>G on transcript NM_000548.5 (MANE Select); coding-DNA position 2194, C replaced by G.
Protein change: p.Gln732Glu; replaces glutamine 732 with glutamic acid.
Molecular consequence: missense variant. On other transcripts: non-coding transcript variant (5).
Genome position (GRCh38, 1-based): chr16:2,072,337, C>G. VCF-style: chr16-2072337-C-G. GRCh37 (hg19) VCF-style: chr16-2122338-C-G.
Other names: c.2194C>G, p.Gln732Glu (NM_001077183.3, NM_001114382.3, NM_001363528.2 and 6 more transcripts); c.2083C>G, p.Gln695Glu (NM_001318827.2, NM_001406670.1, NM_001406678.1); c.2047C>G, p.Gln683Glu (NM_001318829.2, NM_001406675.1, NM_001406676.1 and 1 more transcripts); c.1594C>G, p.Gln532Glu (NM_001318831.2, NM_001406688.1, NM_001406680.1 and 6 more transcripts); c.2227C>G, p.Gln743Glu (NM_001318832.2); c.2284C>G, p.Gln762Glu (NM_001406667.1, NM_001406668.1); c.2182C>G, p.Gln728Glu (NM_001406671.1, NM_001406673.1); c.2137C>G, p.Gln713Glu (NM_001406677.1); and 3 more; short protein forms Q198E, Q284E, Q532E, Q578E, Q683E, Q695E, Q713E, Q728E.
Identifiers: ClinVar variation 4802858 (VCV004802858.1).